The following is an entry in ClinVar:

NM_018089.3(ANKZF1):c.656G>A (p.Gly219Asp)

Gene: ANKZF1 (ankyrin repeat and zinc finger peptidyl tRNA hydrolase 1; plus strand). Cytogenetic location: 2q35.
Variant type: single nucleotide variant.
Coding change: c.656G>A on transcript NM_018089.3 (MANE Select); coding-DNA position 656, G replaced by A.
Protein change: p.Gly219Asp; replaces glycine 219 with aspartic acid.
Molecular consequence: missense variant.
Genome position (GRCh38, 1-based): chr2:219,233,176, G>A. VCF-style: chr2-219233176-G-A. GRCh37 (hg19) VCF-style: chr2-220097898-G-A.
Other names: c.656G>A, p.Gly219Asp (NM_001042410.2); c.26G>A, p.Gly9Asp (NM_001282792.2); short protein forms G219D, G9D.
Identifiers: ClinVar variation 2252723 (VCV002252723.3), dbSNP rs768414716, ClinGen allele CA2120806.

ClinVar aggregate classification (germline): Uncertain significance. Review status: criteria provided, multiple submitters, no conflicts (2 of 4 stars). 2 submissions from 2 submitters: Uncertain significance (2). Last evaluated 2025-07-09.

Allele frequency attached by ClinVar (database versions not stated): ExAC 0.00001; gnomAD exomes 0.00003; gnomAD 0.00004; TOPMed 0.00004.
gnomAD v4.1: 53 of 1,614,118 alleles (0.0033%); highest among the groups gnomAD compares: Non-Finnish European, 0.0043%; no homozygotes.

Submissions (2):

Labcorp Genetics (formerly Invitae), Labcorp
Classification: Uncertain significance. Last evaluated: 2025-07-09. Review status: criteria provided, single submitter. Criteria: Invitae Variant Classification Sherloc (09022015). Collection method: clinical testing. Allele origin: germline.
Comment: This sequence change replaces glycine, which is neutral and non-polar, with aspartic acid, which is acidic and polar, at codon 219 of the ANKZF1 protein (p.Gly219Asp). This variant is present in population databases (rs768414716, gnomAD 0.002%). This variant has not been reported in the literature in individuals affected with ANKZF1-related conditions. ClinVar contains an entry for this variant (Variation ID: 2252723). An algorithm developed to predict the effect of missense changes on protein structure and function (PolyPhen-2) suggests that this variant is likely to be disruptive. In summary, the available evidence is currently insufficient to determine the role of this variant in disease. Therefore, it has been classified as a Variant of Uncertain Significance.

Ambry Genetics
Classification: Uncertain significance. Last evaluated: 2021-09-28. Review status: criteria provided, single submitter. Criteria: Ambry Variant Classification Scheme 2023. Collection method: clinical testing. Allele origin: germline.